The following is an entry in ClinVar:

ClinVar aggregate classification (germline): Uncertain significance (1 of 4 stars; one submission).

Conditions:
Spermatogenic failure 18. Identifiers: MedGen C4539783, MONDO:0054615, OMIM 617576.
Ciliary dyskinesia, primary, 37 (CILD37). Also called: CILIARY DYSKINESIA, PRIMARY, 37, WITH OR WITHOUT SITUS INVERSUS. Identifiers: MedGen C4539798, MONDO:0033204, OMIM 617577.

Allele frequency attached by ClinVar (database versions not stated): gnomAD exomes below 0.00001 and 0.00001; TOPMed below 0.00001; ExAC 0.00001; gnomAD 0.00001.

Submission:

Labcorp Genetics (formerly Invitae), Labcorp
Classification: Uncertain significance for Ciliary dyskinesia, primary, 37; Spermatogenic failure 18. Last evaluated: 2021-08-26. Review status: criteria provided, single submitter. Criteria: Invitae Variant Classification Sherloc (09022015). Collection method: clinical testing. Allele origin: germline.
Comment: This sequence change replaces leucine with proline at codon 381 of the DNAH1 protein (p.Leu381Pro). The leucine residue is highly conserved and there is a moderate physicochemical difference between leucine and proline. This variant is present in population databases (rs773919327, ExAC 0.002%). This variant has not been reported in the literature in individuals affected with DNAH1-related conditions. Algorithms developed to predict the effect of missense changes on protein structure and function are either unavailable or do not agree on the potential impact of this missense change (SIFT: "Deleterious"; PolyPhen-2: "Benign"; Align-GVGD: "Class C0"). In summary, the available evidence is currently insufficient to determine the role of this variant in disease. Therefore, it has been classified as a Variant of Uncertain Significance.

NM_015512.5(DNAH1):c.1142T>C (p.Leu381Pro)

Gene: DNAH1 (dynein axonemal heavy chain 1; plus strand). Cytogenetic location: 3p21.1.
Variant type: single nucleotide variant.
Coding change: c.1142T>C on transcript NM_015512.5 (MANE Select); coding-DNA position 1142, T replaced by C.
Protein change: p.Leu381Pro; replaces leucine 381 with proline.
Molecular consequence: missense variant.
Genome position (GRCh38, 1-based): chr3:52,332,250, T>C. VCF-style: chr3-52332250-T-C. GRCh37 (hg19) VCF-style: chr3-52366266-T-C.
Other names: short protein forms L381P.
Identifiers: ClinVar variation 544592 (VCV000544592.3), dbSNP rs773919327, ClinGen allele CA2432886.